The following is an entry in ClinVar:

NM_015213.4(DENND5A):c.3232C>T (p.Arg1078Trp)

Gene: DENND5A (DENN domain containing 5A; minus strand). Cytogenetic location: 11p15.4.
Variant type: single nucleotide variant.
Coding change: c.3232C>T on transcript NM_015213.4 (MANE Select); coding-DNA position 3232, C replaced by T.
Protein change: p.Arg1078Trp; replaces arginine 1078 with tryptophan.
Molecular consequence: missense variant. On other transcripts: non-coding transcript variant (1).
Genome position (GRCh38, 1-based): chr11:9,144,169, G>A on the plus strand (C>T on the coding strand, the complement: DENND5A is on the minus strand). VCF-style: chr11-9144169-G-A. GRCh37 (hg19) VCF-style: chr11-9165716-G-A.
Other names: c.3232C>T, p.Arg1078Trp (NM_001243254.2, NM_001348748.1); c.3160C>T, p.Arg1054Trp (NM_001348749.2); c.2944C>T, p.Arg982Trp (NM_001348750.2); short protein forms R1054W, R982W, R1078W.
Identifiers: ClinVar variation 2182862 (VCV002182862.1), dbSNP rs570394748, ClinGen allele CA5877097.

ClinVar aggregate classification (germline): Uncertain significance (1 of 4 stars; one submission).

Allele frequency attached by ClinVar (database versions not stated): gnomAD 0.00003; gnomAD exomes 0.00004; ExAC 0.00010; 1000 Genomes Project 30x 0.00047; 1000 Genomes Project 0.00060.
gnomAD v4.1: 61 of 1,614,106 alleles (0.0038%); highest among the groups gnomAD compares: East Asian, 0.08%; no homozygotes.

Submission:

Labcorp Genetics (formerly Invitae), Labcorp
Classification: Uncertain significance. Last evaluated: 2022-08-06. Review status: criteria provided, single submitter. Criteria: Invitae Variant Classification Sherloc (09022015). Collection method: clinical testing. Allele origin: germline.
Comment: This sequence change replaces arginine, which is basic and polar, with tryptophan, which is neutral and slightly polar, at codon 1078 of the DENND5A protein (p.Arg1078Trp). This variant is present in population databases (rs570394748, gnomAD 0.1%). This variant has not been reported in the literature in individuals affected with DENND5A-related conditions. Algorithms developed to predict the effect of missense changes on protein structure and function are either unavailable or do not agree on the potential impact of this missense change (SIFT: "Deleterious"; PolyPhen-2: "Probably Damaging"; Align-GVGD: "Class C0"). In summary, the available evidence is currently insufficient to determine the role of this variant in disease. Therefore, it has been classified as a Variant of Uncertain Significance.